The following is an entry in ClinVar:

ClinVar aggregate classification (germline): Uncertain significance (1 of 4 stars; one submission).

Allele frequency attached by ClinVar (database versions not stated): gnomAD 0.00001; gnomAD exomes 0.00001 and 0.00002; TOPMed 0.00001.
gnomAD v4.1: 32 of 1,555,946 alleles (0.0021%); highest among the groups gnomAD compares: Non-Finnish European, 0.0027%; no homozygotes.

Submission:

Labcorp Genetics (formerly Invitae), Labcorp
Classification: Uncertain significance. Last evaluated: 2022-07-26. Review status: criteria provided, single submitter. Criteria: Invitae Variant Classification Sherloc (09022015). Collection method: clinical testing. Allele origin: germline.
Comment: This sequence change replaces arginine, which is basic and polar, with glutamine, which is neutral and polar, at codon 3452 of the HSPG2 protein (p.Arg3452Gln). This variant also falls at the last nucleotide of exon 75, which is part of the consensus splice site for this exon. The frequency data for this variant in the population databases is considered unreliable, as metrics indicate poor data quality at this position in the gnomAD database. This missense change has been observed in individual(s) with Schwartz-Jampel syndrome (PMID: 16927315). ClinVar contains an entry for this variant (Variation ID: 1402736). Algorithms developed to predict the effect of missense changes on protein structure and function are either unavailable or do not agree on the potential impact of this missense change (SIFT: "Tolerated"; PolyPhen-2: "Probably Damaging"; Align-GVGD: "Class C0"). Experimental studies have shown that this missense change affects HSPG2 function (PMID: 30203597). Variants that disrupt the consensus splice site are a relatively common cause of aberrant splicing (PMID: 17576681, 9536098). Algorithms developed to predict the effect of sequence changes on RNA splicing suggest that this variant may disrupt the consensus splice site. In summary, the available evidence is currently insufficient to determine the role of this variant in disease. Therefore, it has been classified as a Variant of Uncertain Significance.

Literature cited by the submitters: PubMed 16927315; PubMed 30203597; PubMed 17576681; PubMed 9536098.

NM_005529.7(HSPG2):c.10355G>A (p.Arg3452Gln)

Gene: HSPG2 (heparan sulfate proteoglycan 2; minus strand). Cytogenetic location: 1p36.12.
Variant type: single nucleotide variant.
Coding change: c.10355G>A on transcript NM_005529.7 (MANE Select); coding-DNA position 10355, G replaced by A.
Protein change: p.Arg3452Gln; replaces arginine 3452 with glutamine.
Molecular consequence: missense variant.
Genome position (GRCh38, 1-based): chr1:21,836,802, C>T on the plus strand (G>A on the coding strand, the complement: HSPG2 is on the minus strand). VCF-style: chr1-21836802-C-T. GRCh37 (hg19) VCF-style: chr1-22163295-C-T.
Other names: c.10358G>A, p.Arg3453Gln (NM_001291860.2); short protein forms R3452Q, R3453Q.
Identifiers: ClinVar variation 1402736 (VCV001402736.5), dbSNP rs1327754652, ClinGen allele CA338910665.